The following is an entry in ClinVar:

ClinVar aggregate classification (germline): Uncertain significance. Review status: criteria provided, multiple submitters, no conflicts (2 of 4 stars). 3 submissions from 3 submitters: Uncertain significance (3). Last evaluated 2024-12-12.

Conditions:
Muscular dystrophy-dystroglycanopathy (congenital with brain and eye anomalies), type A9. Also called: Muscular dystrophy-dystroglycanopathy (congenital with brain and eye anomalies), type a, 9; WALKER-WARBURG SYNDROME OR MUSCLE-EYE BRAIN DISEASE, DAG1-RELATED. Identifiers: Orphanet 370997, Orphanet 899, MedGen C4225291, MONDO:0014683, OMIM 616538.
Autosomal recessive limb-girdle muscular dystrophy type 2P. Also called: Limb-Girdle Muscular Dystrophy Type 9C; MUSCULAR DYSTROPHY, LIMB-GIRDLE, TYPE 2P; MUSCULAR DYSTROPHY-DYSTROGLYCANOPATHY, LIMB-GIRDLE, DAG1-RELATED. Identifiers: Orphanet 280333, MedGen C4511963, MONDO:0013440, OMIM 613818.

Allele frequency attached by ClinVar (database versions not stated): ESP Exome Variant Server 0.00008; TOPMed 0.00002; gnomAD 0.00002; ExAC 0.00002.

Submissions (3):

GeneDx
Classification: Uncertain significance. Last evaluated: 2024-12-12. Review status: criteria provided, single submitter. Criteria: GeneDx Variant Classification Process June 2021. Collection method: clinical testing. Allele origin: germline. Affected: yes.
Comment: Not observed at significant frequency in large population cohorts (gnomAD); In silico analysis indicates that this missense variant does not alter protein structure/function; Has not been previously published as pathogenic or benign to our knowledge; This variant is associated with the following publications: (PMID: 21388311)

Labcorp Genetics (formerly Invitae), Labcorp
Classification: Uncertain significance for Autosomal recessive limb-girdle muscular dystrophy type 2P; Muscular dystrophy-dystroglycanopathy (congenital with brain and eye anomalies), type A9. Last evaluated: 2022-10-31. Review status: criteria provided, single submitter. Criteria: Invitae Variant Classification Sherloc (09022015). Collection method: clinical testing. Allele origin: germline.
Comment: This sequence change replaces proline, which is neutral and non-polar, with serine, which is neutral and polar, at codon 304 of the DAG1 protein (p.Pro304Ser). This variant is present in population databases (rs147149991, gnomAD 0.005%). This variant has not been reported in the literature in individuals affected with DAG1-related conditions. ClinVar contains an entry for this variant (Variation ID: 849338). Advanced modeling of protein sequence and biophysical properties (such as structural, functional, and spatial information, amino acid conservation, physicochemical variation, residue mobility, and thermodynamic stability) performed at Invitae indicates that this missense variant is not expected to disrupt DAG1 protein function. In summary, the available evidence is currently insufficient to determine the role of this variant in disease. Therefore, it has been classified as a Variant of Uncertain Significance.

Centre for Mendelian Genomics, University Medical Centre Ljubljana
Classification: Uncertain significance for Muscular dystrophy-dystroglycanopathy (congenital with brain and eye anomalies), type A9. Last evaluated: 2016-01-01. Review status: criteria provided, single submitter. Criteria: ACMG Guidelines, 2015. Collection method: clinical testing. Allele origin: unknown. Affected: yes.
Comment: This variant was classified as: Uncertain significance.

NM_004393.6(DAG1):c.910C>T (p.Pro304Ser)

Gene: DAG1 (dystroglycan 1; plus strand). Cytogenetic location: 3p21.31.
Variant type: single nucleotide variant.
Coding change: c.910C>T on transcript NM_004393.6 (MANE Select); coding-DNA position 910, C replaced by T.
Protein change: p.Pro304Ser; replaces proline 304 with serine.
Molecular consequence: missense variant.
Genome position (GRCh38, 1-based): chr3:49,531,421, C>T. VCF-style: chr3-49531421-C-T. GRCh37 (hg19) VCF-style: chr3-49568854-C-T.
Other names: c.910C>T, p.Pro304Ser (NM_001165928.4, NM_001177634.3, NM_001177635.3 and 9 more transcripts); short protein forms P304S.
Identifiers: ClinVar variation 849338 (VCV000849338.8), dbSNP rs147149991, ClinGen allele CA2398977.